The following is an entry in ClinVar:

ClinVar aggregate classification (germline): Conflicting classifications of pathogenicity. Review status: criteria provided, conflicting classifications (1 of 4 stars). 4 submissions from 4 submitters: Uncertain significance (1); Likely benign (3). Last evaluated 2026-01-24.

Conditions:
CLPX-related disorder. Also called: CLPX-related condition.

Allele frequency attached by ClinVar (database versions not stated): 1000 Genomes Project 0.00080; ExAC 0.00130; 1000 Genomes Project 30x 0.00141; gnomAD exomes 0.00141 and 0.00234; gnomAD 0.00142 and 0.00147; TOPMed 0.00152; ESP Exome Variant Server 0.00192.
gnomAD v4.1: 3,647 of 1,614,104 alleles (0.23%); highest among the groups gnomAD compares: Non-Finnish European, 0.28%; 3 homozygotes.

Submissions (4):

Labcorp Genetics (formerly Invitae), Labcorp
Classification: Likely benign. Last evaluated: 2026-01-24. Review status: criteria provided, single submitter. Criteria: Invitae Variant Classification Sherloc (09022015). Collection method: clinical testing. Allele origin: germline.

Mayo Clinic Laboratories, Mayo Clinic
Classification: Uncertain significance. Last evaluated: 2025-03-31. Review status: criteria provided, single submitter. Criteria: ACMG Guidelines, 2015. Collection method: clinical testing. Allele origin: germline. Observed: 4 variant alleles.

PreventionGenetics, part of Exact Sciences
Classification: Likely benign for CLPX-related condition. Last evaluated: 2025-02-07. Review status: criteria provided, single submitter. Criteria: ACMG Guidelines, 2015. Collection method: clinical testing. Allele origin: germline.
Comment: This variant is classified as likely benign based on ACMG/AMP sequence variant interpretation guidelines (Richards et al. 2015 PMID: 25741868, with internal and published modifications).

Blueprint Genetics
Classification: Likely benign. Last evaluated: 2024-11-21. Review status: criteria provided, single submitter. Criteria: ACMG Guidelines, 2015. Collection method: clinical testing. Allele origin: germline.

NM_006660.5(CLPX):c.1463T>C (p.Ile488Thr)

Gene: CLPX (caseinolytic mitochondrial matrix peptidase chaperone subunit X; minus strand). Cytogenetic location: 15q22.31.
Variant type: single nucleotide variant.
Coding change: c.1463T>C on transcript NM_006660.5 (MANE Select); coding-DNA position 1463, T replaced by C.
Protein change: p.Ile488Thr; replaces isoleucine 488 with threonine.
Molecular consequence: missense variant. On other transcripts: non-coding transcript variant (1).
Genome position (GRCh38, 1-based): chr15:65,154,930, A>G on the plus strand (T>C on the coding strand, the complement: CLPX is on the minus strand). VCF-style: chr15-65154930-A-G. GRCh37 (hg19) VCF-style: chr15-65447268-A-G.
Other names: p.Ile488Thr; c.1463T>C (NM_006660.4); short protein forms I488T.
Identifiers: ClinVar variation 1640657 (VCV001640657.12), dbSNP rs35754835, ClinGen allele CA7614637.